The following is an entry in ClinVar:

NM_000038.6(APC):c.3683A>G (p.Gln1228Arg)

Gene: APC (APC regulator of WNT signaling pathway; plus strand). Cytogenetic location: 5q22.2.
Variant type: single nucleotide variant.
Coding change: c.3683A>G on transcript NM_000038.6 (MANE Select); coding-DNA position 3683, A replaced by G.
Protein change: p.Gln1228Arg; replaces glutamine 1228 with arginine.
Molecular consequence: missense variant. On other transcripts: non-coding transcript variant (2).
Genome position (GRCh38, 1-based): chr5:112,839,277, A>G. VCF-style: chr5-112839277-A-G. GRCh37 (hg19) VCF-style: chr5-112174974-A-G.
Other names: c.3683A>G, p.Gln1228Arg (NM_001127510.3, NM_001354895.2, NM_001407450.1); c.3629A>G, p.Gln1210Arg (NM_001127511.3); c.3737A>G, p.Gln1246Arg (NM_001354896.2, NM_001407447.1, NM_001407448.1 and 1 more transcripts); c.3713A>G, p.Gln1238Arg (NM_001354897.2); c.3608A>G, p.Gln1203Arg (NM_001354898.2); c.3599A>G, p.Gln1200Arg (NM_001354899.2); c.3560A>G, p.Gln1187Arg (NM_001354900.2); c.3506A>G, p.Gln1169Arg (NM_001354901.2, NM_001407453.1); and 11 more; short protein forms Q1068R, Q1099R, Q1102R, Q1127R, Q1137R, Q1145R, Q1169R, Q1187R.
Identifiers: ClinVar variation 3070620 (VCV003070620.1), dbSNP rs2149896919, ClinGen allele CA16029417.

ClinVar aggregate classification (germline): Uncertain significance (1 of 4 stars; one submission).

Conditions:
Classic or attenuated familial adenomatous polyposis. Identifiers: MedGen CN372698, MONDO:0021057.

Submission:

All of Us Research Program, National Institutes of Health
Classification: Uncertain significance for Classic or attenuated familial adenomatous polyposis. Last evaluated: 2023-04-27. Review status: criteria provided, single submitter. Criteria: ACMG Guidelines, 2015. Collection method: clinical testing. Allele origin: germline. Inheritance: Autosomal dominant inheritance. Observed: 1 variant allele, 1 heterozygote.
Comment: This study involves interpretation of variants in research participants for the purpose of population health screening. Participant phenotype was not available at the time of variant classification. Additional details can be found in publication PMID: 35346344, PMCID: PMC8962531